The following is an entry in ClinVar:

NM_001277062.2(MFF):c.407G>A (p.Arg136His)

Gene: MFF (mitochondrial fission factor; plus strand). Cytogenetic location: 2q36.3.
Variant type: single nucleotide variant.
Coding change: c.407G>A on transcript NM_001277062.2 (MANE Select); coding-DNA position 407, G replaced by A.
Protein change: p.Arg136His; replaces arginine 136 with histidine.
Molecular consequence: missense variant. On other transcripts: non-coding transcript variant (1).
Genome position (GRCh38, 1-based): chr2:227,340,347, G>A. VCF-style: chr2-227340347-G-A. GRCh37 (hg19) VCF-style: chr2-228205063-G-A.
Other names: c.485G>A, p.Arg162His (NM_001277061.2, NM_020194.5); c.407G>A, p.Arg136His (NM_001277063.2, NM_001277064.2, NM_001277065.2 and 2 more transcripts); c.257G>A, p.Arg86His (NM_001277067.1); c.485G>A (NM_020194.4); short protein forms R136H, R162H, R86H.
Identifiers: ClinVar variation 1980007 (VCV001980007.5), dbSNP rs748723518, ClinGen allele CA2147897.
Genomic context (GRCh38, chr2:227,340,347, plus strand): 5'-AACAGATCCGAGCAGTTGGCAGACTAAAAAGAGAGCGGTCTATGAGTGAAAATGCTGTTC[G>A]CCAAAATGGACAGCTGGTCAGAAATGATTCTCTGTGAGTAGAAGCACTAGCATTTTATCT-3'
Protein context (NP_001263991.1, residues 126-146): RERSMSENAV[Arg136His]QNGQLVRNDS

ClinVar aggregate classification (germline): Uncertain significance. Review status: criteria provided, multiple submitters, no conflicts (2 of 4 stars). 2 submissions from 2 submitters: Uncertain significance (2). Last evaluated 2025-09-28.

Conditions:
Inborn genetic diseases. Identifiers: MedGen C0950123, MeSH D030342.

Allele frequency attached by ClinVar (database versions not stated): TOPMed 0.00002; ExAC 0.00003; gnomAD 0.00003.

Submissions (2):

Ambry Genetics
Classification: Uncertain significance for Inborn genetic diseases. Last evaluated: 2025-09-28. Review status: criteria provided, single submitter. Criteria: Ambry Variant Classification Scheme 2023. Collection method: clinical testing. Allele origin: germline.

Labcorp Genetics (formerly Invitae), Labcorp
Classification: Uncertain significance. Last evaluated: 2022-06-09. Review status: criteria provided, single submitter. Criteria: Invitae Variant Classification Sherloc (09022015). Collection method: clinical testing. Allele origin: germline.
Comment: This variant is present in population databases (rs748723518, gnomAD 0.005%). This sequence change replaces arginine, which is basic and polar, with histidine, which is basic and polar, at codon 162 of the MFF protein (p.Arg162His). This variant has not been reported in the literature in individuals affected with MFF-related conditions. In summary, the available evidence is currently insufficient to determine the role of this variant in disease. Therefore, it has been classified as a Variant of Uncertain Significance. Algorithms developed to predict the effect of missense changes on protein structure and function are either unavailable or do not agree on the potential impact of this missense change (SIFT: "Deleterious"; PolyPhen-2: "Benign"; Align-GVGD: "Class C25").